The following is an entry in ClinVar:

NM_000051.4(ATM):c.5212A>G (p.Lys1738Glu)

Gene: ATM (ATM serine/threonine kinase; plus strand). Cytogenetic location: 11q22.3.
Variant type: single nucleotide variant.
Coding change: c.5212A>G on transcript NM_000051.4 (MANE Select); coding-DNA position 5212, A replaced by G.
Protein change: p.Lys1738Glu; replaces lysine 1738 with glutamic acid.
Molecular consequence: missense variant.
Genome position (GRCh38, 1-based): chr11:108,301,682, A>G. VCF-style: chr11-108301682-A-G. GRCh37 (hg19) VCF-style: chr11-108172409-A-G.
Other names: c.5212A>G, p.Lys1738Glu (NM_001351834.2); short protein forms K1738E.
Identifiers: ClinVar variation 419564 (VCV000419564.8), dbSNP rs1064793957, ClinGen allele CA16619196.

ClinVar aggregate classification (germline): Uncertain significance. Review status: criteria provided, multiple submitters, no conflicts (2 of 4 stars). 4 submissions from 4 submitters: Uncertain significance (3). 1 of the submissions does not count toward it. Last evaluated 2024-05-10.

Conditions:
Hereditary cancer-predisposing syndrome. Also called: Hereditary neoplastic syndrome; Hereditary Cancer Syndrome; Neoplastic Syndromes, Hereditary; Tumor predisposition. Identifiers: Orphanet 140162, MedGen C0027672, MeSH D009386, MONDO:0015356.
Ataxia-telangiectasia syndrome (AT). Also called: Ataxia-telangiectasia, complementation group D; Cerebello-oculocutaneous telangiectasia; Immunodeficiency with ataxia telangiectasia; ATAXIA-TELANGIECTASIA, COMPLEMENTATION GROUP A; ATAXIA-TELANGIECTASIA, FRESNO VARIANT; LOUIS-BAR SYNDROME. Identifiers: Orphanet 100, MedGen C0004135, MONDO:0008840, OMIM 208900.

Submissions (4):

Ambry Genetics
Classification: Uncertain significance for Hereditary cancer-predisposing syndrome. Last evaluated: 2024-05-10. Review status: criteria provided, single submitter. Criteria: Ambry Variant Classification Scheme 2023. Collection method: clinical testing. Allele origin: germline.
Comment: The p.K1738E variant (also known as c.5212A>G), located in coding exon 34 of the ATM gene, results from an A to G substitution at nucleotide position 5212. The lysine at codon 1738 is replaced by glutamic acid, an amino acid with similar properties. This amino acid position is highly conserved in available vertebrate species. In addition, this alteration is predicted to be deleterious by in silico analysis. Based on the available evidence, the clinical significance of this variant remains unclear.

Labcorp Genetics (formerly Invitae), Labcorp
Classification: Uncertain significance for Ataxia-telangiectasia syndrome. Last evaluated: 2022-07-17. Review status: criteria provided, single submitter. Criteria: Invitae Variant Classification Sherloc (09022015). Collection method: clinical testing. Allele origin: germline.
Comment: In summary, the available evidence is currently insufficient to determine the role of this variant in disease. Therefore, it has been classified as a Variant of Uncertain Significance. This sequence change replaces lysine, which is basic and polar, with glutamic acid, which is acidic and polar, at codon 1738 of the ATM protein (p.Lys1738Glu). This variant is not present in population databases (gnomAD no frequency). This variant has not been reported in the literature in individuals affected with ATM-related conditions. ClinVar contains an entry for this variant (Variation ID: 419564). Algorithms developed to predict the effect of missense changes on protein structure and function (SIFT, PolyPhen-2, Align-GVGD) all suggest that this variant is likely to be disruptive.

GeneDx
Classification: Uncertain significance. Last evaluated: 2016-07-22. Review status: criteria provided, single submitter. Criteria: GeneDx Variant Classification (06012015). Collection method: clinical testing. Allele origin: germline. Affected: yes.
Comment: This variant is denoted ATM c.5212A>G at the cDNA level, p.Lys1738Glu (K1738E) at the protein level, and results in the change of a Lysine to a Glutamic Acid (AAA>GAA). This variant has not, to our knowledge, been published in the literature as pathogenic or benign. ATM Lys1738Glu was not observed in approximately 6,500 individuals of European and African American ancestry in the NHLBI Exome Sequencing Project, suggesting it is not a common benign variant in these populations. Since Lysine and Glutamic Acid differ in polarity, charge, size or other properties, this is considered a non-conservative amino acid substitution. ATM Lys1738Glu occurs at a position that is conserved across species and is not located in a known functional domain (Stracker 2013). In silico analyses are inconsistent regarding the effect this variant may have on protein structure and function. Based on currently available evidence, it is unclear whether ATM Lys1738Glu is a pathogenic or benign variant. We consider it to be a variant of uncertain significance.

Natera, Inc.
Classification: Uncertain significance for Ataxia-telangiectasia. Last evaluated: 2020-09-16. Review status: no assertion criteria provided. Collection method: clinical testing. Allele origin: germline. Not counted in ClinVar's aggregate classification.